The following is an entry in ClinVar:

ClinVar aggregate classification (germline): Uncertain significance (1 of 4 stars; one submission).

Submission:

Labcorp Genetics (formerly Invitae), Labcorp
Classification: Uncertain significance. Last evaluated: 2022-06-13. Review status: criteria provided, single submitter. Criteria: Invitae Variant Classification Sherloc (09022015). Collection method: clinical testing. Allele origin: germline.
Comment: In summary, the available evidence is currently insufficient to determine the role of this variant in disease. Therefore, it has been classified as a Variant of Uncertain Significance. Experimental studies and prediction algorithms are not available or were not evaluated, and the functional significance of this variant is currently unknown. This variant has not been reported in the literature in individuals affected with OTULIN-related conditions. This variant is not present in population databases (gnomAD no frequency). This variant, c.78_80del, results in the deletion of 1 amino acid(s) of the OTULIN protein (p.Ala27del), but otherwise preserves the integrity of the reading frame.

NM_138348.6(OTULIN):c.72GGC[2] (p.Ala27del)

Gene: OTULIN (OTU deubiquitinase with linear linkage specificity; plus strand). Cytogenetic location: 5p15.2.
Variant type: Microsatellite.
Coding change: c.72GGC[2] on transcript NM_138348.6 (MANE Select); two copies in a row of the 3-base unit GGC starting at c.72; the reference has three copies in a row; one copy, 3 bases deleted.
Protein change: p.Ala27del; deletes alanine 27.
Molecular consequence: inframe deletion.
Genome position (GRCh38, 1-based): chr5:14,664,903-14,664,905, GGC deleted; deleting any 3 consecutive bases within chr5:14,664,897-14,664,905 gives the same sequence; the position shown is the placement nearest the transcript's 3' end. VCF-style (leftmost placement, unchanged base first): chr5-14664896-AGGC-A. GRCh37 (hg19) VCF-style: chr5-14665005-AGGC-A.
Other names: short protein forms A27del.
Identifiers: ClinVar variation 1909792 (VCV001909792.5), dbSNP rs1034227037, ClinGen allele CA114003912.
Genomic context (GRCh38, chr5:14,664,896, plus strand): 5'-GGACTATGCCCCAGCCCGAAGCGTGGCCAGGCGCGAGCTGCGCCGAGACGCCGGCGCGGG[AGGC>A]GGCGGCCACGGCGCGGGACGGCGGGAAGGCGGCGGCCAGCGGGCAGCCGCGGCCCGAGAT-3'